The following is an entry in ClinVar:

ClinVar aggregate classification (germline): Likely benign (1 of 4 stars; one submission).

Submission:

CeGaT Center for Human Genetics Tuebingen
Classification: Likely benign. Last evaluated: 2026-03-01. Review status: criteria provided, single submitter. Criteria: CeGaT Center For Human Genetics Tuebingen Variant Classification Criteria Version 2. Collection method: clinical testing. Allele origin: germline. Affected: yes. Observed: 1 variant allele.
Comment: FICD: BP4, BP7

NM_007076.3(FICD):c.846C>T (p.Ile282=)

Gene: FICD (FIC domain protein adenylyltransferase; plus strand). Cytogenetic location: 12q23.3.
Variant type: single nucleotide variant.
Coding change: c.846C>T on transcript NM_007076.3 (MANE Select); coding-DNA position 846, C replaced by T.
Protein change: p.Ile282=; no amino-acid change (isoleucine 282 retained).
Molecular consequence: synonymous variant.
Genome position (GRCh38, 1-based): chr12:108,518,944, C>T. VCF-style: chr12-108518944-C-T. GRCh37 (hg19) VCF-style: chr12-108912721-C-T.
Identifiers: ClinVar variation 4873591 (VCV004873591.2).